The following is an entry in ClinVar:

NM_001540.5(HSPB1):c.544C>T (p.Pro182Ser)

Gene: HSPB1 (heat shock protein family B (small) member 1; plus strand). Cytogenetic location: 7q11.23.
Variant type: single nucleotide variant.
Coding change: c.544C>T on transcript NM_001540.5 (MANE Select); coding-DNA position 544, C replaced by T.
Protein change: p.Pro182Ser; replaces proline 182 with serine.
Molecular consequence: missense variant.
Genome position (GRCh38, 1-based): chr7:76,304,099, C>T. VCF-style: chr7-76304099-C-T. GRCh37 (hg19) VCF-style: chr7-75933416-C-T.
Other names: c.544C>T, p.Pro182Ser (LRG_248t1); short protein forms P182S.
Identifiers: ClinVar variation 7483 (VCV000007483.13), dbSNP rs104894020, ClinGen allele CA118828.

ClinVar aggregate classification (germline): Pathogenic/Likely pathogenic. Review status: criteria provided, multiple submitters, no conflicts (2 of 4 stars). 4 submissions from 4 submitters: Pathogenic (2); Likely pathogenic (1). 1 of the submissions does not count toward it. Last evaluated 2023-09-25.

Conditions:
Neuronopathy, distal hereditary motor, type 2B. Also called: NEURONOPATHY, DISTAL HEREDITARY MOTOR, AUTOSOMAL DOMINANT 3; NEURONOPATHY, DISTAL HEREDITARY MOTOR, HARDING TYPE IIB; NEUROPATHY, DISTAL HEREDITARY MOTOR, HARDING TYPE IIB; HMN IIB. Identifiers: Orphanet 139525, MedGen C2608087, MONDO:0012080, OMIM 608634.
Charcot-Marie-Tooth disease axonal type 2F (CMT2F). Also called: Charcot-Marie-Tooth Neuropathy Type 2F; CHARCOT-MARIE-TOOTH DISEASE, NEURONAL, TYPE 2F. Identifiers: Orphanet 99940, MedGen C1847823, MONDO:0011687, OMIM 606595.

Submissions (4):

Labcorp Genetics (formerly Invitae), Labcorp
Classification: Pathogenic for Charcot-Marie-Tooth disease axonal type 2F. Last evaluated: 2023-09-25. Review status: criteria provided, single submitter. Criteria: Invitae Variant Classification Sherloc (09022015). Collection method: clinical testing. Allele origin: germline.
Comment: This sequence change replaces proline, which is neutral and non-polar, with serine, which is neutral and polar, at codon 182 of the HSPB1 protein (p.Pro182Ser). This variant is not present in population databases (gnomAD no frequency). This missense change has been observed in individual(s) with hereditary motor neuropathy (PMID: 16155736). In at least one individual the variant was observed to be de novo. ClinVar contains an entry for this variant (Variation ID: 7483). Advanced modeling of protein sequence and biophysical properties (such as structural, functional, and spatial information, amino acid conservation, physicochemical variation, residue mobility, and thermodynamic stability) has been performed at Invitae for this missense variant, however the output from this modeling did not meet the statistical confidence thresholds required to predict the impact of this variant on HSPB1 protein function. Experimental studies have shown that this missense change affects HSPB1 function (PMID: 25220807). This variant disrupts the p.Pro182 amino acid residue in HSPB1. Other variant(s) that disrupt this residue have been determined to be pathogenic (PMID: 18325928, 27816334, 29381233). This suggests that this residue is clinically significant, and that variants that disrupt this residue are likely to be disease-causing. For these reasons, this variant has been classified as Pathogenic.

Molecular Genetics, Royal Melbourne Hospital
Classification: Likely pathogenic for Neuronopathy, distal hereditary motor, type 2B. Last evaluated: 2023-03-30. Review status: criteria provided, single submitter. Criteria: ACMG Guidelines, 2015. Collection method: clinical testing. Allele origin: germline. Affected: yes.
Comment: This sequence change is predicted to replace proline with serine at codon 182 of the HSPB1 protein (p.(Pro182Ser)). The proline residue is highly conserved (100 vertebrates, UCSC), and is located in the in the IPI/V motif in the C-terminal domain. It is a critical residue for cis-trans proline isomerisation in regulating the oligomerisation of small heat shock proteins (PMID: 28547731). There is a moderate physicochemical difference between proline and serine. The variant is absent in a large population cohort (gnomAD v2.1 and v3.1). It has been identified in at least three individuals with distal hereditary motor neuropathy, and one of these was confirmed de novo (PMID: 16155736, Invitae, Royal Melbourne Hospital). In functional analyses the variant induces HspB1 aggregation and decreases chaperone activity (PMID: 25220807). Multiple lines of computational evidence predict a deleterious effect for the missense substitution (6/6 algorithms). Additionally, two different missense changes at the same position (Pro182Leu, Pro182Ala) have been seen in individuals with hereditary neuropathies (ClinVar). Based on the classification scheme RMH Modified ACMG Guidelines v1.3.1, this variant is classified as LIKELY PATHOGENIC. Following criteria are met: PS2_Moderate, PM1, PM2_Supporting, PS3_Supporting, PS4_Supporting, PP3.

Victorian Clinical Genetics Services, Murdoch Childrens Research Institute
Classification: Pathogenic for Charcot-Marie-Tooth disease axonal type 2F. Last evaluated: 2022-02-02. Review status: criteria provided, single submitter. Criteria: ACMG Guidelines, 2015. Collection method: clinical testing. Allele origin: germline. Inheritance: Autosomal dominant inheritance.
Comment: Based on the classification scheme VCGS_Germline_v1.3.4, this variant is classified as a Pathogenic. Following criteria are met: 0104 - Dominant negative is a known mechanism of disease in this gene and is associated with axonal Charcot-Marie-Tooth disease type 2F (MIM#606595) and distal hereditary motor neuronopathy type IIB (MIM#608634) (PMID: 25220807). (I) 0107 - This gene is associated with autosomal dominant disease. (I) 0200 - Variant is predicted to result in a missense amino acid change from proline to serine. (I) 0251 - This variant is heterozygous. (I) 0301 - Variant is absent from gnomAD (both v2 and v3). (SP) 0501 - Missense variant consistently predicted to be damaging by multiple in silico tools or highly conserved with a major amino acid change. (SP) 0600 - Variant is located in the annotated sHSP domain (Uniprot). (I) 0702 - Other missense variants comparable to the one identified in this case have strong previous evidence for pathogenicity. Two alternative changes to an alanine or a leucine have been reported in multiple individuals with Charcot-Marie-Tooth disease or distal hereditary motor neuronopathy (ClinVar, PMID: 15122254, 27816334, 29381233). An additional change to a threonine has also been reported once as VUS in ClinVar. (SP) 0802 - This variant has moderate previous evidence of pathogenicity in unrelated individuals. This variant has been reported in individuals with Charcot-Marie-Tooth disease or distal hereditary motor neuronopathy, including one de novo occurrence (ClinVar, PMID: 16155736). (SP) 1002 - This variant has moderate functional evidence supporting abnormal protein function. Functional analysis shows that this variant interacts and sequestrates the WT protein and inhibiting its normal function (PMID: 25220807). (SP) 1208 - Inheritance information for this variant is not currently available in this individual. (I) Legend: (SP) - Supporting pathogenic, (I) - Information, (SB) - Supporting benign

OMIM
Classification: Pathogenic for NEURONOPATHY, DISTAL HEREDITARY MOTOR, AUTOSOMAL DOMINANT 3. Last evaluated: 2005-01-01. Review status: no assertion criteria provided. Collection method: literature only. Allele origin: germline. Not counted in ClinVar's aggregate classification.

Literature cited by the submitters: PubMed 16155736 (cited by 4 submitters); PubMed 25220807 (cited by 3 submitters); PubMed 18325928 (cited by Labcorp Genetics (formerly Invitae), Labcorp); PubMed 27816334 (cited by Labcorp Genetics (formerly Invitae), Labcorp and Victorian Clinical Genetics Services, Murdoch Childrens Research Institute); PubMed 29381233 (cited by Labcorp Genetics (formerly Invitae), Labcorp and Victorian Clinical Genetics Services, Murdoch Childrens Research Institute); PubMed 28547731 (cited by Molecular Genetics, Royal Melbourne Hospital); PubMed 15122254 (cited by Victorian Clinical Genetics Services, Murdoch Childrens Research Institute).